The following is an entry in ClinVar:

NM_152564.5(VPS13B):c.11655C>T (p.Pro3885=)

Gene: VPS13B (vacuolar protein sorting 13 homolog B; plus strand). Cytogenetic location: 8q22.2.
Variant type: single nucleotide variant.
Coding change: c.11655C>T on transcript NM_152564.5 (MANE Select); coding-DNA position 11655, C replaced by T.
Protein change: p.Pro3885=; no amino-acid change (proline 3885 retained).
Molecular consequence: synonymous variant.
Genome position (GRCh38, 1-based): chr8:99,871,607, C>T. VCF-style: chr8-99871607-C-T. GRCh37 (hg19) VCF-style: chr8-100883835-C-T.
Other names: c.11655C>T (NM_152564.4); c.11730C>T, p.Pro3910= (NM_017890.5).
Identifiers: ClinVar variation 1133791 (VCV001133791.36), dbSNP rs368092348, ClinGen allele CA4825295.

ClinVar aggregate classification (germline): Likely benign. Review status: criteria provided, multiple submitters, no conflicts (2 of 4 stars). 4 submissions from 4 submitters: Likely benign (2). 2 of the submissions do not count toward it. Last evaluated 2025-12-19.

Conditions:
Cohen syndrome (COH1). Also called: Cutis verticis gyrata, retinitis pigmentosa, and sensorineural deafness; PEPPER SYNDROME. Identifiers: Orphanet 193, MedGen C0265223, MONDO:0008999, OMIM 216550.
VPS13B-related disorder. Also called: VPS13B-related condition.

Allele frequency attached by ClinVar (database versions not stated): ExAC 0.00001; gnomAD 0.00001 and 0.00002; gnomAD exomes 0.00001 and 0.00002; TOPMed 0.00002; ESP Exome Variant Server 0.00008.
gnomAD v4.1: 35 of 1,614,048 alleles (0.0022%); highest among the groups gnomAD compares: Non-Finnish European, 0.0027%; no homozygotes.

Submissions (4):

Labcorp Genetics (formerly Invitae), Labcorp
Classification: Likely benign for Cohen syndrome. Last evaluated: 2025-12-19. Review status: criteria provided, single submitter. Criteria: Invitae Variant Classification Sherloc (09022015). Collection method: clinical testing. Allele origin: germline.

CeGaT Center for Human Genetics Tuebingen
Classification: Likely benign. Last evaluated: 2022-11-01. Review status: criteria provided, single submitter. Criteria: CeGaT Center For Human Genetics Tuebingen Variant Classification Criteria Version 2. Collection method: clinical testing. Allele origin: germline. Affected: yes. Observed: 1 variant allele.
Comment: VPS13B: BP4, BP7

Natera, Inc.
Classification: Likely benign for Cohen syndrome. Last evaluated: 2021-07-29. Review status: no assertion criteria provided. Collection method: clinical testing. Allele origin: germline. Not counted in ClinVar's aggregate classification.

PreventionGenetics, part of Exact Sciences
Classification: Likely benign for VPS13B-related condition. Last evaluated: 2021-05-26. Review status: no assertion criteria provided. Collection method: clinical testing. Allele origin: germline. Not counted in ClinVar's aggregate classification.
Comment: This variant is classified as likely benign based on ACMG/AMP sequence variant interpretation guidelines (Richards et al. 2015 PMID: 25741868, with internal and published modifications).